The following is an entry in ClinVar:

NM_006828.4(ASCC3):c.4469C>G (p.Ser1490Cys)

Gene: ASCC3 (activating signal cointegrator 1 complex subunit 3; minus strand). Cytogenetic location: 6q16.3.
Variant type: single nucleotide variant.
Coding change: c.4469C>G on transcript NM_006828.4 (MANE Select); coding-DNA position 4469, C replaced by G.
Protein change: p.Ser1490Cys; replaces serine 1490 with cysteine.
Molecular consequence: missense variant.
Genome position (GRCh38, 1-based): chr6:100,627,894, G>C on the plus strand (C>G on the coding strand, the complement: ASCC3 is on the minus strand). VCF-style: chr6-100627894-G-C. GRCh37 (hg19) VCF-style: chr6-101075770-G-C.
Other names: short protein forms S1490C.
Identifiers: ClinVar variation 4681000 (VCV004681000.1).
Genomic context (GRCh38, chr6:100,627,894, plus strand): 5'-CTACATACCTGCTTAATATTGAGCCAATCAGCAAGGTCTCTGGCATTAGCTAATGCAGTA[G>C]ATAGTCCAACTATTCTAACAGGCTTTTCTGTGTGTGATGAGATAAAATTTGTTCGAGATA-3'
Protein context (NP_006819.2, residues 1480-1500): TEKPVRIVGL[Ser1490Cys]TALANARDLA

ClinVar aggregate classification (germline): Uncertain significance (1 of 4 stars; one submission).

Submission:

GeneDx
Classification: Uncertain significance. Last evaluated: 2025-07-03. Review status: criteria provided, single submitter. Criteria: GeneDx Variant Classification Process June 2021. Collection method: clinical testing. Allele origin: germline. Affected: yes.
Comment: Not observed at significant frequency in large population cohorts (gnomAD); In silico analysis supports that this missense variant has a deleterious effect on protein structure/function; Has not been previously published as pathogenic or benign to our knowledge